The following is an entry in ClinVar:

NM_001377.3(DYNC2H1):c.1844T>C (p.Ile615Thr)

Gene: DYNC2H1 (dynein cytoplasmic 2 heavy chain 1; plus strand). Cytogenetic location: 11q22.3.
Variant type: single nucleotide variant.
Coding change: c.1844T>C on transcript NM_001377.3 (MANE Select); coding-DNA position 1844, T replaced by C.
Protein change: p.Ile615Thr; replaces isoleucine 615 with threonine.
Molecular consequence: missense variant.
Genome position (GRCh38, 1-based): chr11:103,125,282, T>C. VCF-style: chr11-103125282-T-C. GRCh37 (hg19) VCF-style: chr11-102996011-T-C.
Other names: c.1844T>C, p.Ile615Thr (NM_001080463.2); short protein forms I615T.
Identifiers: ClinVar variation 1489668 (VCV001489668.8), dbSNP rs2134734586, ClinGen allele CA382255263.
Genomic context (GRCh38, chr11:103,125,282, plus strand): 5'-TTATTCCTGCCAAAATACAGCAAGTTGCAAACATTGCACAGAAATTCTGCAAGCAAGCAA[T>C]TATTCTTAAACAAGTATGAAATTACATTTTTTGAATACCTGCCTATTTGGAGTTCATTAC-3'
Protein context (NP_001368.2, residues 605-625): NIAQKFCKQA[Ile615Thr]ILKQVAHFYN

ClinVar aggregate classification (germline): Uncertain significance (1 of 4 stars; one submission).

Conditions:
Jeune thoracic dystrophy. Also called: Jeune syndrome; Infantile thoracic dystrophy; Thoracic pelvic phalangeal dystrophy; Jeune's syndrome; Chondroectodermal dysplasia-like syndrome; Short-rib thoracic dysplasia. Identifiers: Orphanet 474, MedGen C0265275, MONDO:0018770.

Submission:

Labcorp Genetics (formerly Invitae), Labcorp
Classification: Uncertain significance for Jeune thoracic dystrophy. Last evaluated: 2021-07-10. Review status: criteria provided, single submitter. Criteria: Invitae Variant Classification Sherloc (09022015). Collection method: clinical testing. Allele origin: germline.
Comment: This variant has not been reported in the literature in individuals affected with DYNC2H1-related conditions. Advanced modeling of protein sequence and biophysical properties (such as structural, functional, and spatial information, amino acid conservation, physicochemical variation, residue mobility, and thermodynamic stability) performed at Invitae indicates that this missense variant is not expected to disrupt DYNC2H1 protein function. In summary, the available evidence is currently insufficient to determine the role of this variant in disease. Therefore, it has been classified as a Variant of Uncertain Significance. This variant is not present in population databases (ExAC no frequency). This sequence change replaces isoleucine with threonine at codon 615 of the DYNC2H1 protein (p.Ile615Thr). The isoleucine residue is moderately conserved and there is a moderate physicochemical difference between isoleucine and threonine.